The following is an entry in ClinVar:

ClinVar aggregate classification (germline): Uncertain significance (1 of 4 stars; one submission).

Conditions:
TNRC6B-related disorder. Also called: TNRC6B-related condition.

Submission:

PreventionGenetics, part of Exact Sciences
Classification: Uncertain significance for TNRC6B-related condition. Last evaluated: 2024-10-05. Review status: criteria provided, single submitter. Criteria: ACMG Guidelines, 2015. Collection method: clinical testing. Allele origin: germline.
Comment: The TNRC6B c.4181C>T variant is predicted to result in the amino acid substitution p.Ser1394Phe. To our knowledge, this variant has not been reported in the literature or in a large population database, indicating this variant is rare. At this time, the clinical significance of this variant is uncertain due to the absence of conclusive functional and genetic evidence.

NM_001162501.2(TNRC6B):c.4181C>T (p.Ser1394Phe)

Gene: TNRC6B (trinucleotide repeat containing adaptor 6B; plus strand). Cytogenetic location: 22q13.1.
Variant type: single nucleotide variant.
Coding change: c.4181C>T on transcript NM_001162501.2 (MANE Select); coding-DNA position 4181, C replaced by T.
Protein change: p.Ser1394Phe; replaces serine 1394 with phenylalanine.
Molecular consequence: missense variant.
Genome position (GRCh38, 1-based): chr22:40,308,572, C>T. VCF-style: chr22-40308572-C-T. GRCh37 (hg19) VCF-style: chr22-40704576-C-T.
Other names: c.1769C>T, p.Ser590Phe (NM_001024843.2); c.3851C>T, p.Ser1284Phe (NM_015088.3); short protein forms S1394F, S1284F, S590F.
Identifiers: ClinVar variation 4987043 (VCV004987043.1).